The following is an entry in ClinVar:

ClinVar aggregate classification (germline): Uncertain significance. Review status: criteria provided, multiple submitters, no conflicts (2 of 4 stars). 2 submissions from 2 submitters: Uncertain significance (2). Last evaluated 2024-05-24.

Conditions:
Mitochondrial complex III deficiency nuclear type 6. Identifiers: MedGen C3809553, MONDO:0014194, OMIM 615453.

Allele frequency attached by ClinVar (database versions not stated): gnomAD 0.00002; TOPMed 0.00004.

Submissions (2):

Fulgent Genetics
Classification: Uncertain significance for Mitochondrial complex III deficiency nuclear type 6. Last evaluated: 2024-05-24. Review status: criteria provided, single submitter. Criteria: ACMG Guidelines, 2015. Collection method: clinical testing. Allele origin: germline.

Labcorp Genetics (formerly Invitae), Labcorp
Classification: Uncertain significance. Last evaluated: 2024-02-02. Review status: criteria provided, single submitter. Criteria: Invitae Variant Classification Sherloc (09022015). Collection method: clinical testing. Allele origin: germline.
Comment: This sequence change replaces arginine, which is basic and polar, with glutamine, which is neutral and polar, at codon 285 of the CYC1 protein (p.Arg285Gln). This variant is present in population databases (no rsID available, gnomAD 0.005%). This variant has not been reported in the literature in individuals affected with CYC1-related conditions. Advanced modeling of protein sequence and biophysical properties (such as structural, functional, and spatial information, amino acid conservation, physicochemical variation, residue mobility, and thermodynamic stability) performed at Invitae indicates that this missense variant is not expected to disrupt CYC1 protein function with a negative predictive value of 80%. In summary, the available evidence is currently insufficient to determine the role of this variant in disease. Therefore, it has been classified as a Variant of Uncertain Significance.

NM_001916.5(CYC1):c.854G>A (p.Arg285Gln)

Gene: CYC1 (cytochrome c1; plus strand). Cytogenetic location: 8q24.3.
Variant type: single nucleotide variant.
Coding change: c.854G>A on transcript NM_001916.5 (MANE Select); coding-DNA position 854, G replaced by A.
Protein change: p.Arg285Gln; replaces arginine 285 with glutamine.
Molecular consequence: missense variant.
Genome position (GRCh38, 1-based): chr8:144,097,115, G>A. VCF-style: chr8-144097115-G-A. GRCh37 (hg19) VCF-style: chr8-145152018-G-A.
Other names: short protein forms R285Q.
Identifiers: ClinVar variation 3001473 (VCV003001473.4), dbSNP rs769424627, ClinGen allele CA372529611.